The following is an entry in ClinVar:

ClinVar aggregate classification (germline): Pathogenic (1 of 4 stars; one submission).

Submission:

Labcorp Genetics (formerly Invitae), Labcorp
Classification: Pathogenic. Last evaluated: 2025-07-30. Review status: criteria provided, single submitter. Criteria: Invitae Variant Classification Sherloc (09022015). Collection method: clinical testing. Allele origin: germline.
Comment: This sequence change creates a premature translational stop signal (p.Pro126Tyrfs*3) in the ASAH1 gene. It is expected to result in an absent or disrupted protein product. Loss-of-function variants in ASAH1 are known to be pathogenic (PMID: 24164096, 24355074). This variant is not present in population databases (gnomAD no frequency). This variant has not been reported in the literature in individuals affected with ASAH1-related conditions. For these reasons, this variant has been classified as Pathogenic.

Literature cited by the submitters: PubMed 24164096; PubMed 24355074.

NM_177924.5(ASAH1):c.374_375dup (p.Pro126fs)

Gene: ASAH1 (N-acylsphingosine amidohydrolase 1; minus strand). Cytogenetic location: 8p22.
Variant type: Microsatellite.
Coding change: c.374_375dup on transcript NM_177924.5 (MANE Select); coding-DNA positions 374 to 375, 2 bases duplicated (TA; older notation c.374_375dupTA).
Protein change: p.Pro126fs; shifts the reading frame from proline 126.
Molecular consequence: frameshift variant. On other transcripts: non-coding transcript variant (1).
Genome position (GRCh38, 1-based): chr8:18,067,227-18,067,228, TA duplicated on the plus strand (TA on the coding strand, the reverse complement: ASAH1 is on the minus strand); duplicating any 2 consecutive bases within chr8:18,067,227-18,067,231 gives the same sequence; the c. name uses the placement nearest the transcript's 3' end. VCF-style (leftmost placement, unchanged base first): chr8-18067226-G-GTA. GRCh37 (hg19) VCF-style: chr8-17924735-G-GTA.
Other names: c.356_357dup, p.Pro120fs (NM_001127505.3); c.179_180dup, p.Pro61fs (NM_001363743.2); c.422_423dup, p.Pro142fs (NM_004315.6); short protein forms P142fs, P120fs, P126fs, P61fs.
Identifiers: ClinVar variation 4724334 (VCV004724334.1).